The following is an entry in ClinVar:

ClinVar aggregate classification (germline): Conflicting classifications of pathogenicity. Review status: criteria provided, conflicting classifications (1 of 4 stars). 2 submissions from 2 submitters: Uncertain significance (1); Likely benign (1). Last evaluated 2025-04-19.

Conditions:
Myofibrillar myopathy 5. Also called: Filaminopathy (type); FILAMINOPATHY, AUTOSOMAL DOMINANT. Identifiers: Orphanet 171445, MedGen C1836050, MONDO:0012289, OMIM 609524.
Distal myopathy with posterior leg and anterior hand involvement. Also called: WILLIAMS DISTAL MYOPATHY. Identifiers: Orphanet 63273, MedGen C3279722, MONDO:0013550, OMIM 614065.
Hypertrophic cardiomyopathy 26. Also called: Cardiomyopathy, familial hypertrophic, 26. Identifiers: Orphanet 75249, MedGen C4310749, MONDO:0014883, OMIM 617047.

Submissions (2):

Labcorp Genetics (formerly Invitae), Labcorp
Classification: Likely benign for Distal myopathy with posterior leg and anterior hand involvement; Myofibrillar myopathy 5; Hypertrophic cardiomyopathy 26. Last evaluated: 2025-04-19. Review status: criteria provided, single submitter. Criteria: Invitae Variant Classification Sherloc (09022015). Collection method: clinical testing. Allele origin: germline.

GeneDx
Classification: Uncertain significance. Last evaluated: 2024-04-11. Review status: criteria provided, single submitter. Criteria: GeneDx Variant Classification Process June 2021. Collection method: clinical testing. Allele origin: germline. Affected: yes.
Comment: Not observed at significant frequency in large population cohorts (gnomAD); In silico analysis indicates that this variant does not alter splicing; Has not been previously published as pathogenic or benign to our knowledge

NM_001458.5(FLNC):c.1515C>T (p.Gly505=)

Gene: FLNC (filamin C; plus strand). Cytogenetic location: 7q32.1.
Variant type: single nucleotide variant.
Coding change: c.1515C>T on transcript NM_001458.5 (MANE Select); coding-DNA position 1515, C replaced by T.
Protein change: p.Gly505=; no amino-acid change (glycine 505 retained).
Molecular consequence: synonymous variant.
Genome position (GRCh38, 1-based): chr7:128,840,126, C>T. VCF-style: chr7-128840126-C-T. GRCh37 (hg19) VCF-style: chr7-128480180-C-T.
Other names: c.1515C>T, p.Gly505= (NM_001127487.2).
Identifiers: ClinVar variation 3372378 (VCV003372378.3).